The following is an entry in ClinVar:

NM_021625.5(TRPV4):c.495C>A (p.Asp165Glu)

Gene: TRPV4 (transient receptor potential cation channel subfamily V member 4; minus strand). Cytogenetic location: 12q24.11.
Variant type: single nucleotide variant.
Coding change: c.495C>A on transcript NM_021625.5 (MANE Select); coding-DNA position 495, C replaced by A.
Protein change: p.Asp165Glu; replaces aspartic acid 165 with glutamic acid.
Molecular consequence: missense variant.
Genome position (GRCh38, 1-based): chr12:109,808,360, G>T on the plus strand (C>A on the coding strand, the complement: TRPV4 is on the minus strand). VCF-style: chr12-109808360-G-T. GRCh37 (hg19) VCF-style: chr12-110246165-G-T.
Other names: c.495C>A, p.Asp165Glu (NM_001177428.2, NM_001177433.2, NM_147204.3); c.393C>A, p.Asp131Glu (NM_001177431.2); short protein forms D131E, D165E.
Identifiers: ClinVar variation 4803079 (VCV004803079.1).
Genomic context (GRCh38, chr12:109,808,360, plus strand): 5'-AAACTCCTCATCAGTTAGGCGTTTCTTGTGGGTCAGCAAGAATGGGAGCAGCCCGTCCAG[G>T]TCAGCAGTGGAGCCCCGGGACACGATGTCAAAGAGGATAGGCCGGTTGAAGACTTTGAGG-3'
Protein context (NP_067638.3, residues 155-175): FDIVSRGSTA[Asp165Glu]LDGLLPFLLT

ClinVar aggregate classification (germline): Uncertain significance (1 of 4 stars; one submission).

Conditions:
Charcot-Marie-Tooth disease axonal type 2C (HMSN2C). Also called: Charcot-Marie-Tooth Disease Type 2, TRPV4-Related (CMT2C); CHARCOT-MARIE-TOOTH DISEASE, AXONAL, AUTOSOMAL DOMINANT, TYPE 2C; Charcot-Marie-Tooth Neuropathy Type 2C. Identifiers: Orphanet 99937, MedGen C1853710, MONDO:0011633, OMIM 606071.

gnomAD v4.1: 2 of 1,614,208 alleles (0.00012%); highest among the groups gnomAD compares: African/African-American, 0.0013%; no homozygotes.

Submission:

Labcorp Genetics (formerly Invitae), Labcorp
Classification: Uncertain significance for Charcot-Marie-Tooth disease axonal type 2C. Last evaluated: 2025-09-19. Review status: criteria provided, single submitter. Criteria: Invitae Variant Classification Sherloc (09022015). Collection method: clinical testing. Allele origin: germline.
Comment: This sequence change replaces aspartic acid, which is acidic and polar, with glutamic acid, which is acidic and polar, at codon 165 of the TRPV4 protein (p.Asp165Glu). This variant is not present in population databases (gnomAD no frequency). This variant has not been reported in the literature in individuals affected with TRPV4-related conditions. Invitae Evidence Modeling of protein sequence and biophysical properties (such as structural, functional, and spatial information, amino acid conservation, physicochemical variation, residue mobility, and thermodynamic stability) has been performed for this missense variant. However, the output from this modeling did not meet the statistical confidence thresholds required to predict the impact of this variant on TRPV4 protein function. In summary, the available evidence is currently insufficient to determine the role of this variant in disease. Therefore, it has been classified as a Variant of Uncertain Significance.